The following is an entry in ClinVar:

ClinVar aggregate classification (germline): Uncertain significance (1 of 4 stars; one submission).

Conditions:
SEMA3C-related disorder. Also called: SEMA3C-related condition.

gnomAD v4.1: 3 of 1,614,030 alleles (0.00019%); highest among the groups gnomAD compares: Non-Finnish European, 0.00025%; no homozygotes.

Submission:

PreventionGenetics, part of Exact Sciences
Classification: Uncertain significance for SEMA3C-related condition. Last evaluated: 2025-01-29. Review status: criteria provided, single submitter. Criteria: ACMG Guidelines, 2015. Collection method: clinical testing. Allele origin: germline.
Comment: The SEMA3C c.2234G>T variant is predicted to result in the amino acid substitution p.Gly745Val. To our knowledge, this variant has not been reported in the literature or in a large population database (gnomAD), indicating this variant is rare. At this time, the clinical significance of this variant is uncertain due to the absence of conclusive functional and genetic evidence.

NM_006379.5(SEMA3C):c.2180G>T (p.Gly727Val)

Gene: SEMA3C (semaphorin 3C; minus strand). Cytogenetic location: 7q21.11.
Variant type: single nucleotide variant.
Coding change: c.2180G>T on transcript NM_006379.5 (MANE Select); coding-DNA position 2180, G replaced by T.
Protein change: p.Gly727Val; replaces glycine 727 with valine.
Molecular consequence: missense variant.
Genome position (GRCh38, 1-based): chr7:80,744,970, C>A on the plus strand (G>T on the coding strand, the complement: SEMA3C is on the minus strand). VCF-style: chr7-80744970-C-A. GRCh37 (hg19) VCF-style: chr7-80374286-C-A.
Other names: c.2234G>T, p.Gly745Val (NM_001350120.2); c.2006G>T, p.Gly669Val (NM_001350121.2); short protein forms G669V, G727V, G745V.
Identifiers: ClinVar variation 4990210 (VCV004990210.1).
Genomic context (GRCh38, chr7:80,744,970, plus strand): 5'-TGATTCCTCCTGTTTCTACTTTTCCGACTATTGATGAGGGCCTTTAACTTGCCATAGTCC[C>A]CTCTCATTTTCTGTGATTCATCTCCCTGCTGATGTTGCTGCCGAGTGTCTTTGCAATATT-3'
Protein context (NP_006370.1, residues 717-737): QQGDESQKMR[Gly727Val]DYGKLKALIN